The following is an entry in ClinVar:

NM_001429.4(EP300):c.5485C>T (p.Arg1829Cys)

Gene: EP300 (EP300 lysine acetyltransferase; plus strand). Cytogenetic location: 22q13.2.
Variant type: single nucleotide variant.
Coding change: c.5485C>T on transcript NM_001429.4 (MANE Select); coding-DNA position 5485, C replaced by T.
Protein change: p.Arg1829Cys; replaces arginine 1829 with cysteine.
Molecular consequence: missense variant.
Genome position (GRCh38, 1-based): chr22:41,177,196, C>T. VCF-style: chr22-41177196-C-T. GRCh37 (hg19) VCF-style: chr22-41573200-C-T.
Other names: c.5485C>T (NM_001429.3); c.5407C>T, p.Arg1803Cys (NM_001362843.2); short protein forms R1803C, R1829C.
Identifiers: ClinVar variation 1335488 (VCV001335488.37), dbSNP rs2145516075, ClinGen allele CA411709083.

ClinVar aggregate classification (germline): Conflicting classifications of pathogenicity. Review status: criteria provided, conflicting classifications (1 of 4 stars). 3 submissions from 3 submitters: Likely pathogenic (2); Uncertain significance (1). Last evaluated 2026-04-08.

Conditions:
EP300-related disorder. Also called: EP300-related disorders; EP300-related condition.
Inborn genetic diseases. Identifiers: MedGen C0950123, MeSH D030342.

Submissions (3):

PreventionGenetics, part of Exact Sciences
Classification: Uncertain significance for EP300-related condition. Last evaluated: 2026-04-08. Review status: criteria provided, single submitter. Criteria: ACMG Guidelines, 2015. Collection method: clinical testing. Allele origin: germline.
Comment: The EP300 c.5485C>T variant is predicted to result in the amino acid substitution p.Arg1829Cys. To our knowledge, this variant has not been reported in the literature or in a large population database (gnomAD), indicating this variant is rare. This variant was observed by single submitter to ClinVar as de novo in at least one individual with features consistent with Menke-Hennekam syndrome and this variant is assessed as likely pathogenic in ClinVar (Variation ID: 1335488). Alternative variant at the same codon (p.Arg1829Pro) has been observed de novo in at least two individuals with EP300 related disorder (Table S2. Seo. 2020. PubMed ID: 32901917; Table 3. Haghshenas. 2024. PubMed ID: 38553851; Table S1. Levy et al. 2022. PubMed ID: 35904121). Although we suspect that this variant may be pathogenic, at this time, the clinical significance of this variant is uncertain due to the absence of conclusive functional and genetic evidence.

Ambry Genetics
Classification: Likely pathogenic for Inborn genetic diseases. Last evaluated: 2025-08-15. Review status: criteria provided, single submitter. Criteria: Ambry Variant Classification Scheme 2023. Collection method: clinical testing. Allele origin: germline.
Comment: The c.5485C>T (p.R1829C) alteration is located in exon 31 (coding exon 31) of the EP300 gene. This alteration results from a C to T substitution at nucleotide position 5485, causing the arginine (R) at amino acid position 1829 to be replaced by a cysteine (C). for Menke-Hennekam syndrome; however, its clinical significance for Rubinstein-Taybi syndrome is uncertain. This variant was not reported in population-based cohorts in the Genome Aggregation Database (gnomAD). This variant was determined to be de novo in at least one individual with features consistent with Menke-Hennekam syndrome (external communication). Other variant(s) at the same codon, c.5486G>C (p.R1829P), have been identified in individual(s) with features consistent with Menke-Hennekam syndrome (Seo, 2020; Haghshenas, 2024). This amino acid position is highly conserved in available vertebrate species. This alteration is predicted to be deleterious by in silico analysis. Based on the available evidence, this alteration is classified as likely pathogenic.

CeGaT Center for Human Genetics Tuebingen
Classification: Likely pathogenic. Last evaluated: 2022-01-01. Review status: criteria provided, single submitter. Criteria: CeGaT Center For Human Genetics Tuebingen Variant Classification Criteria Version 2. Collection method: clinical testing. Allele origin: germline. Affected: yes. Observed: 2 variant alleles.

Literature cited by the submitters: PubMed 32901917 (cited by Ambry Genetics); PubMed 38553851 (cited by Ambry Genetics).